The following is an entry in ClinVar:

NM_018669.6(WDR4):c.704T>C (p.Leu235Pro)

Gene: WDR4 (WDR4 tRNA N7-guanosine methyltransferase non-catalytic subunit; minus strand). Cytogenetic location: 21q22.3.
Variant type: single nucleotide variant.
Coding change: c.704T>C on transcript NM_018669.6 (MANE Select); coding-DNA position 704, T replaced by C.
Protein change: p.Leu235Pro; replaces leucine 235 with proline.
Molecular consequence: missense variant. On other transcripts: non-coding transcript variant (1).
Genome position (GRCh38, 1-based): chr21:42,855,704, A>G on the plus strand (T>C on the coding strand, the complement: WDR4 is on the minus strand). VCF-style: chr21-42855704-A-G. GRCh37 (hg19) VCF-style: chr21-44275814-A-G.
Other names: c.704T>C (NM_033661.4, NM_018669.4); c.704T>C, p.Leu235Pro (NM_001260474.2, NM_033661.5); c.266T>C, p.Leu89Pro (NM_001260475.2, NM_001260476.2, NM_001260477.2 and 1 more transcripts); short protein forms L89P, L235P.
Identifiers: ClinVar variation 2074642 (VCV002074642.7), dbSNP rs139351243, ClinGen allele CA10045992.

ClinVar aggregate classification (germline): Likely benign. Review status: criteria provided, multiple submitters, no conflicts (2 of 4 stars). 3 submissions from 3 submitters: Likely benign (2). 1 of the submissions does not count toward it. Last evaluated 2026-01-06.

Conditions:
Inborn genetic diseases. Identifiers: MedGen C0950123, MeSH D030342.
WDR4-related disorder. Also called: WDR4-Related Disorders; WDR4-related condition.

Allele frequency attached by ClinVar (database versions not stated): gnomAD exomes 0.00011; ESP Exome Variant Server 0.00078; ExAC 0.00080; gnomAD 0.00136; 1000 Genomes Project 30x 0.00250; 1000 Genomes Project 0.00260.
gnomAD v4.1: 368 of 1,554,062 alleles (0.024%); highest among the groups gnomAD compares: African/African-American, 0.44%; 2 homozygotes.

Submissions (3):

Labcorp Genetics (formerly Invitae), Labcorp
Classification: Likely benign. Last evaluated: 2026-01-06. Review status: criteria provided, single submitter. Criteria: Invitae Variant Classification Sherloc (09022015). Collection method: clinical testing. Allele origin: germline.

Ambry Genetics
Classification: Likely benign for Inborn genetic diseases. Last evaluated: 2024-12-07. Review status: criteria provided, single submitter. Criteria: Ambry Variant Classification Scheme 2023. Collection method: clinical testing. Allele origin: germline.

PreventionGenetics, part of Exact Sciences
Classification: Likely benign for WDR4-related condition. Last evaluated: 2022-02-25. Review status: no assertion criteria provided. Collection method: clinical testing. Allele origin: germline. Not counted in ClinVar's aggregate classification.
Comment: This variant is classified as likely benign based on ACMG/AMP sequence variant interpretation guidelines (Richards et al. 2015 PMID: 25741868, with internal and published modifications).